The following is an entry in ClinVar:

ClinVar aggregate classification (germline): Pathogenic/Likely pathogenic. Review status: criteria provided, multiple submitters, no conflicts (2 of 4 stars). 17 submissions from 17 submitters: Pathogenic (10); Likely pathogenic (3). 4 of the submissions do not count toward it. Last evaluated 2025-12-13.

Conditions:
ATM-related disorder. Also called: ATM-related disorders; ATM-related condition.
Hereditary cancer-predisposing syndrome. Also called: Neoplastic Syndromes, Hereditary; Tumor predisposition; Hereditary Cancer Syndrome; Hereditary neoplastic syndrome. Identifiers: Orphanet 140162, MedGen C0027672, MeSH D009386, MONDO:0015356.
Ataxia-telangiectasia syndrome (AT). Also called: Ataxia-telangiectasia, complementation group E; LOUIS-BAR SYNDROME; AT, COMPLEMENTATION GROUP C; Cerebello-oculocutaneous telangiectasia; Immunodeficiency with ataxia telangiectasia; ATAXIA-TELANGIECTASIA, COMPLEMENTATION GROUP A. Identifiers: Orphanet 100, MedGen C0004135, MONDO:0008840, OMIM 208900.
Familial cancer of breast. Also called: Hereditary breast cancer; BREAST CANCER, FAMILIAL; hereditary breast carcinoma. Identifiers: Orphanet 227535, MedGen C0346153, MONDO:0016419, OMIM 114480. Disease mechanism: loss of function.

Submissions (17):

Labcorp Genetics (formerly Invitae), Labcorp
Classification: Pathogenic for Ataxia-telangiectasia syndrome. Last evaluated: 2025-12-13. Review status: criteria provided, single submitter. Criteria: Invitae Variant Classification Sherloc (09022015). Collection method: clinical testing. Allele origin: germline.
Comment: This variant, c.7875_7876delinsGC, is a complex sequence change that results in the substitution of 2 amino acid(s) in the ATM protein (p.Asp2625_Ala2626delinsGluPro). Information on the frequency of this variant in the gnomAD database is not available, as this variant may be reported differently in the database. This variant has been observed in individual(s) with ataxia telangiectasia (PMID: 9521587, 10980530, 19535770, 22213089). In at least one individual the data is consistent with being in trans (on the opposite chromosome) from a pathogenic variant. This variant is also known as a double missense variant, D2625E and A2626P on the same chromosome. ClinVar contains an entry for this variant (Variation ID: 3030). Algorithms developed to predict the effect of variants on gene product structure and function are not available or were not evaluated for this variant. Experimental studies have shown that this variant affects ATM function (PMID: 22213089). For these reasons, this variant has been classified as Pathogenic.

Color Diagnostics, LLC DBA Color Health
Classification: Likely pathogenic for Hereditary cancer-predisposing syndrome. Last evaluated: 2025-12-09. Review status: criteria provided, single submitter. Criteria: ACMG Guidelines, 2015. Collection method: clinical testing. Allele origin: germline.
Comment: This missense variant replaces aspartic acid and alanine at codons 2625 and 2626 of the ATM protein with glutamic acid and proline. This variant has been reported in the homozygous state or compound heterozygous state with another pathogenic ATM variant in individuals affected with ataxia telangiectasia (PMID: 9521587, 10873394, 11104561, 15054841, 17985259, 19535770, 21778326, 22213089, 25037873, 25122203, 30549301, 31050087). Cells derived from some of these individuals have shown reduced ATM kinase activity (PMID: 22213089, 30549301, 31050087). In a large international case-control study, this variant was reported in 8/60466 breast cancer cases and 7/53461 controls (PMID: 33471991). This variant has also been reported in an individual affected with pancreatic cancer (PMID: 29922827). This variant has not been identified in the general population by the Genome Aggregation Database (gnomAD). Based on the available evidence, this variant is classified as Likely Pathogenic.

CeGaT Center for Human Genetics Tuebingen
Classification: Pathogenic. Last evaluated: 2025-04-01. Review status: criteria provided, single submitter. Criteria: CeGaT Center For Human Genetics Tuebingen Variant Classification Criteria Version 2. Collection method: clinical testing. Allele origin: germline. Affected: yes. Observed: 1 variant allele.
Comment: ATM: PM3:Very Strong, PM2, PP4, PS3:Supporting

Natera, Inc.
Classification: Pathogenic for Ataxia-telangiectasia. Last evaluated: 2024-11-15. Review status: criteria provided, single submitter. Criteria: Natera Variant Classification Schema (03/2026). Collection method: clinical testing. Allele origin: germline.
Comment: The c.7875_7876delTGinsGC variant in ATM is a deletion-insertion (delins) variant predicted to replace one or more nucleotides with a different sequence. This variant is rare in the general population with a frequency below the threshold expected for the associated phenotype(s). This variant has been observed in one or more individuals affected with the associated recessive disease, as either homozygous or compound heterozygous with a second variant (PMID: 28196983, 10873394, 9521587, 28126470). Given the available evidence, this variant is classified as Pathogenic.

Ambry Genetics
Classification: Pathogenic for Hereditary cancer-predisposing syndrome. Last evaluated: 2024-09-09. Review status: criteria provided, single submitter. Criteria: Ambry Variant Classification Scheme 2023. Collection method: clinical testing. Allele origin: germline.
Comment: The c.7875_7876delTGinsGC variant (also known as p.D2625_A2626delinsEP), located in coding exon 52 of the ATM gene, results from the deletion of TG and the insertion of GC at nucleotide positions 7875 and 7876. This causes amino acid substitutions at two highly-conserved codons: the aspartic acid at codon 2625 is replaced by glutamic acid and the alanine at codon 2626 is replaced by proline. This alteration has been reported in multiple ataxia-telangiectasia (AT) families, both homozygous and in trans with known pathogenic mutations (van Belzen MJ et al. Hum. Genet. 1998 Feb;102(2):187-91; Li A and Swift M. Am. J. Med. Genet. 2000 May;92(3):170-7; Becker-Catania SG et al. Mol. Genet. Metab. 2000 Jun; 70(2):122-33; Laake K et al. Hum. Mutat. 2000 Sep;16(3):232-46; D&ouml;rk T et al. Am. J. Med. Genet. A 2004 Apr;126A(3):272-7; Verhagen MM et al. Hum. Mutat. 2012 Mar;33(3):561-71; Driessen GJ et al. J. Allergy Clin. Immunol. 2013 May;131(5):1367-75.e9). In one study, this variant was associated with complete absence of ATM protein in one homozygous AT patient (Becker-Catania SG et al. Mol. Genet. Metab. 2000 Jun;70(2):122-33), while a second study detected ATM protein, but no ATM kinase activity in four homozygous AT patients (Verhagen MM et al. Hum. Mutat. 2012 Mar;33(3):561-71). This variant is considered to be rare based on population cohorts in the Genome Aggregation Database (gnomAD). Based on the supporting evidence, this alteration is interpreted as a disease-causing mutation.

Baylor Genetics
Classification: Pathogenic for Familial cancer of breast. Last evaluated: 2024-03-05. Review status: criteria provided, single submitter. Criteria: ACMG Guidelines, 2015. Collection method: clinical testing. Allele origin: unknown.

Myriad Genetics, Inc.
Classification: Likely pathogenic for Familial cancer of breast. Last evaluated: 2024-02-02. Review status: criteria provided, single submitter. Criteria: Myriad Autosomal Dominant, Autosomal Recessive and X-Linked Classification Criteria (2023). Collection method: clinical testing. Allele origin: unknown.
Comment: This variant is considered likely pathogenic. This variant has been reported in multiple individuals with clinical features of gene-specific disease [PMID: 9521587, 10980530, 19535770].

Women's Health and Genetics/Laboratory Corporation of America, LabCorp
Classification: Pathogenic for Ataxia-telangiectasia syndrome. Last evaluated: 2023-04-10. Review status: criteria provided, single submitter. Criteria: LabCorp Variant Classification Summary - May 2015. Collection method: clinical testing. Allele origin: germline.
Comment: Variant summary: ATM c.7875_7876delinsGC (p.Asp2625_Ala2626delinsGluPro) results in an in-frame deletion-insertion that is predicted to delete two amino acids and insert to amino acids from the encoded protein. The variant was absent in 250852 control chromosomes (gnomAD). c.7875_7876delinsGC has been reported in the literature in multiple bi-allelic individuals affected with Ataxia-Telangiectasia (example: Verhagen_2012). These data indicate that the variant is very likely to be associated with disease. Six clinical diagnostic laboratories have submitted clinical-significance assessments for this variant to ClinVar after 2014 and all classified the variant as pathogenic/likely pathogenic. Based on the evidence outlined above, the variant was classified as pathogenic.

Human Genetics Bochum, Ruhr University Bochum
Classification: Pathogenic for Familial cancer of breast. Last evaluated: 2022-12-05. Review status: criteria provided, single submitter. Criteria: ACMG Guidelines, 2015. Collection method: clinical testing. Allele origin: germline. Affected: yes.
Comment: ACMG criteria used to clasify this variant: PS4, PS3_MOD, PM3, PM2_SUP, PP3

Mendelics
Classification: Pathogenic for Ataxia-telangiectasia syndrome. Last evaluated: 2018-07-02. Review status: criteria provided, single submitter. Criteria: Mendelics Assertion Criteria 2017. Collection method: clinical testing. Allele origin: unknown.

Blueprint Genetics
Classification: Pathogenic for ATM-related disorders. Last evaluated: 2018-06-13. Review status: criteria provided, single submitter. Criteria: ACMG Guidelines, 2015. Collection method: clinical testing. Allele origin: germline. Affected: yes. Observed: 1 variant allele.

PreventionGenetics, part of Exact Sciences
Classification: Likely pathogenic. Last evaluated: 2016-04-26. Review status: criteria provided, single submitter. Criteria: ACMG Guidelines, 2015. Collection method: clinical testing. Allele origin: germline.

Institute of Human Genetics, University Hospital of Duesseldorf
Classification: Pathogenic for Familial cancer of breast. Review status: criteria provided, single submitter. Criteria: ACMG Guidelines, 2015. Collection method: not provided. Allele origin: germline. Inheritance: Autosomal dominant inheritance. Affected: yes.

Zotz-Klimas Genetics Lab, MVZ Zotz Klimas
Classification: Pathogenic for Familial cancer of breast. Last evaluated: 2023-10-09. Review status: no assertion criteria provided. Collection method: clinical testing. Allele origin: germline. Affected: yes. Not counted in ClinVar's aggregate classification.

Counsyl
Classification: Likely pathogenic for Ataxia-telangiectasia syndrome. Last evaluated: 2016-04-06. Review status: no assertion criteria provided. Collection method: clinical testing. Allele origin: unknown. Not counted in ClinVar's aggregate classification.

OMIM
Classification: Pathogenic for ATAXIA-TELANGIECTASIA. Last evaluated: 2004-04-30. Review status: no assertion criteria provided. Collection method: literature only. Allele origin: germline. Not counted in ClinVar's aggregate classification.

ClinVar Staff, National Center for Biotechnology Information (NCBI)
No classification provided. Condition: Ataxia-telangiectasia syndrome. Review status: no classification provided. Collection method: not provided. Allele origin: not provided. Not counted in ClinVar's aggregate classification.

Literature cited by the submitters: PubMed 9521587 (cited by 7 submitters); PubMed 10980530 (cited by 4 submitters); PubMed 19535770 (cited by 3 submitters); PubMed 22213089 (cited by 5 submitters); PubMed 10873394 (cited by 4 submitters); PubMed 11104561 (cited by Color Diagnostics, LLC DBA Color Health); PubMed 15054841 (cited by 4 submitters); PubMed 17985259 (cited by Color Diagnostics, LLC DBA Color Health); PubMed 21778326 (cited by Color Diagnostics, LLC DBA Color Health); PubMed 25037873 (cited by Color Diagnostics, LLC DBA Color Health and Counsyl); PubMed 25122203 (cited by Color Diagnostics, LLC DBA Color Health and Counsyl); PubMed 29922827 (cited by Color Diagnostics, LLC DBA Color Health and Ambry Genetics); PubMed 30549301 (cited by Color Diagnostics, LLC DBA Color Health and Ambry Genetics); PubMed 31050087 (cited by Color Diagnostics, LLC DBA Color Health and Ambry Genetics); PubMed 33471991 (cited by Color Diagnostics, LLC DBA Color Health); PubMed 28196983 (cited by Natera, Inc.); PubMed 28126470 (cited by Natera, Inc. and Ambry Genetics); PubMed 10817650 (cited by Ambry Genetics and Counsyl); PubMed 23566627 (cited by Ambry Genetics); PubMed 28152038 (cited by Ambry Genetics); PubMed 26635394 (cited by Counsyl); PubMed 364941 (cited by OMIM); PubMed 642007 (cited by OMIM).

NM_000051.4(ATM):c.7875_7876delinsGC (p.Asp2625_Ala2626delinsGluPro)

Genes: ATM (ATM serine/threonine kinase; plus strand), C11orf65 (chromosome 11 open reading frame 65; minus strand). Cytogenetic location: 11q22.3.
Variant type: Indel.
Coding change: c.7875_7876delinsGC on transcript NM_000051.4 (MANE Select); coding-DNA positions 7875 to 7876, TG replaced by GC.
Protein change: p.Asp2625_Ala2626delinsGluPro.
Molecular consequence: missense variant. On other transcripts: intron variant (2).
Genome position (GRCh38, 1-based): chr11:108,332,848-108,332,849, TG replaced by GC. VCF-style: chr11-108332848-TG-GC. GRCh37 (hg19) VCF-style: chr11-108203575-TG-GC.
Other names: LRG_135t1:c.7875_7876delTGinsGC; c.7875_7876delTGinsGC, p.Asp2625_Ala2626delinsGluPro (NM_000051.3); c.7875_7876delinsGC, p.Asp2625_Ala2626delinsGluPro (NM_001351834.2); c.641-23778_641-23777delinsGC (NM_001330368.2); c.*38+2371_*38+2372delinsGC (NM_001351110.2).
Identifiers: ClinVar variation 3030 (VCV000003030.37), dbSNP rs267606668, ClinGen allele CA211317.